The following is an entry in ClinVar:

ClinVar aggregate classification (germline): Uncertain significance (1 of 4 stars; one submission).

Conditions:
Familial meningioma. Also called: Meningioma, familial, susceptibility to. Identifiers: Orphanet 263662, MedGen C3551915, MONDO:0011789, OMIM 607174.

Submission:

Labcorp Genetics (formerly Invitae), Labcorp
Classification: Uncertain significance for Familial meningioma. Last evaluated: 2022-10-16. Review status: criteria provided, single submitter. Criteria: Invitae Variant Classification Sherloc (09022015). Collection method: clinical testing. Allele origin: germline.
Comment: This sequence change replaces glutamic acid, which is acidic and polar, with glycine, which is neutral and non-polar, at codon 368 of the SMARCE1 protein (p.Glu368Gly). This variant is not present in population databases (gnomAD no frequency). This variant has not been reported in the literature in individuals affected with SMARCE1-related conditions. ClinVar contains an entry for this variant (Variation ID: 463416). Algorithms developed to predict the effect of missense changes on protein structure and function (SIFT, PolyPhen-2, Align-GVGD) all suggest that this variant is likely to be tolerated. In summary, the available evidence is currently insufficient to determine the role of this variant in disease. Therefore, it has been classified as a Variant of Uncertain Significance.

NM_003079.5(SMARCE1):c.1103A>G (p.Glu368Gly)

Gene: SMARCE1 (SWI/SNF related BAF chromatin remodeling complex subunit E1; minus strand). Cytogenetic location: 17q21.2.
Variant type: single nucleotide variant.
Coding change: c.1103A>G on transcript NM_003079.5 (MANE Select); coding-DNA position 1103, A replaced by G.
Protein change: p.Glu368Gly; replaces glutamic acid 368 with glycine.
Molecular consequence: missense variant.
Genome position (GRCh38, 1-based): chr17:40,628,918, T>C on the plus strand (A>G on the coding strand, the complement: SMARCE1 is on the minus strand). VCF-style: chr17-40628918-T-C. GRCh37 (hg19) VCF-style: chr17-38785170-T-C.
Other names: short protein forms E368G.
Identifiers: ClinVar variation 463416 (VCV000463416.10), dbSNP rs1555605086, ClinGen allele CA399361419.